The following is an entry in ClinVar:

ClinVar aggregate classification (germline): Uncertain significance (1 of 4 stars; one submission).

Conditions:
Hereditary cancer-predisposing syndrome. Also called: Neoplastic Syndromes, Hereditary; Tumor predisposition; Hereditary Cancer Syndrome; Hereditary neoplastic syndrome. Identifiers: Orphanet 140162, MedGen C0027672, MeSH D009386, MONDO:0015356.

Submission:

Ambry Genetics
Classification: Uncertain significance for Hereditary cancer-predisposing syndrome. Last evaluated: 2017-06-22. Review status: criteria provided, single submitter. Criteria: Ambry Variant Classification Scheme 2023. Collection method: clinical testing. Allele origin: germline.
Comment: The c.3424_3426delGAA variant (also known as p.E1142del) is located in coding exon 22 of the RAD50 gene. This variant results from an in-frame GAA deletion at nucleotide positions 3424 to 3426. This results in the in-frame deletion of a glutamic acid at codon 1142. This amino acid position is highly conserved in available vertebrate species. Since supporting evidence is limited at this time, the clinical significance of this alteration remains unclear.

NM_005732.4(RAD50):c.3421GAA[1] (p.Glu1142del)

Genes: RAD50 (RAD50 double strand break repair protein; plus strand), TH2LCRR (T helper type 2 locus control region associated RNA; minus strand), TH2-LCR (Th2 cytokine locus control region; plus strand). Cytogenetic location: 5q31.1.
Variant type: Microsatellite.
Coding change: c.3421GAA[1] on transcript NM_005732.4 (MANE Select); one copy of the 3-base unit GAA starting at c.3421; the reference has two copies in a row; one copy, 3 bases deleted.
Protein change: p.Glu1142del; deletes glutamic acid 1142.
Molecular consequence: inframe deletion.
Genome position (GRCh38, 1-based): chr5:132,637,149-132,637,151, GAA deleted; deleting any 3 consecutive bases within chr5:132,637,146-132,637,151 gives the same sequence; the position shown is the placement nearest the transcript's 3' end. VCF-style (leftmost placement, unchanged base first): chr5-132637145-GGAA-G. GRCh37 (hg19) VCF-style: chr5-131972837-GGAA-G.
Other names: short protein forms E1142del.
Identifiers: ClinVar variation 482153 (VCV000482153.5), dbSNP rs1554100859, ClinGen allele CA658657537.